The following is an entry in ClinVar:

NM_000525.4(KCNJ11):c.286G>A (p.Ala96Thr)

Gene: KCNJ11 (potassium inwardly rectifying channel subfamily J member 11; minus strand). Cytogenetic location: 11p15.1.
Variant type: single nucleotide variant.
Coding change: c.286G>A on transcript NM_000525.4 (MANE Select); coding-DNA position 286, G replaced by A.
Protein change: p.Ala96Thr; replaces alanine 96 with threonine.
Molecular consequence: missense variant.
Genome position (GRCh38, 1-based): chr11:17,387,806, C>T on the plus strand (G>A on the coding strand, the complement: KCNJ11 is on the minus strand). VCF-style: chr11-17387806-C-T. GRCh37 (hg19) VCF-style: chr11-17409353-C-T.
Other names: c.286G>A (NM_000525.3); c.25G>A, p.Ala9Thr (NM_001166290.2, NM_001377296.1, NM_001377297.1); short protein forms A96T, A9T.
Identifiers: ClinVar variation 2676205 (VCV002676205.6), dbSNP rs766658650, ClinGen allele CA5902312.

ClinVar aggregate classification (germline): Conflicting classifications of pathogenicity. Review status: criteria provided, conflicting classifications (1 of 4 stars). 4 submissions from 4 submitters: Likely pathogenic (1); Uncertain significance (3). Last evaluated 2025-12-01.

Conditions:
Type 2 diabetes mellitus. Also called: Type II diabetes mellitus. Identifiers: MedGen C0011860, MeSH D003924, MONDO:0005148, OMIM 125853, HP:0005978.
Hyperinsulinemic hypoglycemia, familial, 2. Also called: HYPERINSULINEMIC HYPOGLYCEMIA, PERSISTENT; HYPERINSULINISM, NEONATAL. Identifiers: Orphanet 276580, Orphanet 276603, MedGen C2931833, MONDO:0011153, OMIM 601820. Disease mechanism: loss of function.

Allele frequency attached by ClinVar (database versions not stated): ExAC 0.00001.
gnomAD v4.1: 8 of 1,614,016 alleles (0.0005%); highest among the groups gnomAD compares: South Asian, 0.0022%; no homozygotes.

Submissions (4):

GeneDx
Classification: Uncertain significance. Last evaluated: 2025-12-01. Review status: criteria provided, single submitter. Criteria: GeneDx Variant Classification Process June 2021. Collection method: clinical testing. Allele origin: germline.
Comment: Identified in several patients with focal congenital hyperinsulinism; all variants were inherited, however clinical information was not provided on parent (PMID: 24401662, 30386300, 32874187); Identified in a patient with maturity onset diabetes of the young (PMID: 31595705); In silico analysis suggests that this missense variant does not alter protein structure/function; This variant is associated with the following publications: (PMID: 32874187, 24401662, 30386300, 36343308, 39190464, 31595705)

Labcorp Genetics (formerly Invitae), Labcorp
Classification: Uncertain significance. Last evaluated: 2025-11-24. Review status: criteria provided, single submitter. Criteria: Invitae Variant Classification Sherloc (09022015). Collection method: clinical testing. Allele origin: germline.
Comment: This sequence change replaces alanine, which is neutral and non-polar, with threonine, which is neutral and polar, at codon 96 of the KCNJ11 protein (p.Ala96Thr). This variant is present in population databases (rs766658650, gnomAD 0.003%). This missense change has been observed in individual(s) with KCNJ11-related conditions (PMID: 30386300). ClinVar contains an entry for this variant (Variation ID: 2676205). Invitae Evidence Modeling of protein sequence and biophysical properties (such as structural, functional, and spatial information, amino acid conservation, physicochemical variation, residue mobility, and thermodynamic stability) has been performed for this missense variant. However, the output from this modeling did not meet the statistical confidence thresholds required to predict the impact of this variant on KCNJ11 protein function. In summary, the available evidence is currently insufficient to determine the role of this variant in disease. Therefore, it has been classified as a Variant of Uncertain Significance.

Myriad Genetics, Inc.
Classification: Uncertain significance for Hyperinsulinemic hypoglycemia, familial, 2. Last evaluated: 2025-11-13. Review status: criteria provided, single submitter. Criteria: Myriad Autosomal Dominant, Autosomal Recessive and X-Linked Classification Criteria (2023). Collection method: clinical testing. Allele origin: unknown.
Comment: NM_000525.3(KCNJ11):c.286G>A(A96T) is a missense variant classified as a variant of uncertain significance in the context of familial hyperinsulinism, KCNJ11-related. A96T has been observed in cases with relevant disease (PMID: Melkiyan_2012_(Thesis), 32874187, 36339418). Relevant functional assessments of this variant are not available in the literature. A96T has been observed in referenced population frequency databases. In summary, there is insufficient evidence to classify NM_000525.3(KCNJ11):c.286G>A(A96T) as pathogenic or benign. Please note: this variant was assessed in the context of healthy population screening.

Baylor Genetics
Classification: Likely pathogenic for Type 2 diabetes mellitus. Last evaluated: 2023-11-20. Review status: criteria provided, single submitter. Criteria: ACMG Guidelines, 2015. Collection method: clinical testing. Allele origin: unknown.

Literature cited by the submitters: PubMed 30386300 (cited by Labcorp Genetics (formerly Invitae), Labcorp).